The following is an entry in ClinVar:

ClinVar aggregate classification (germline): Conflicting classifications of pathogenicity. Review status: criteria provided, conflicting classifications (1 of 4 stars). 2 submissions from 2 submitters: Pathogenic (1); Uncertain significance (1). Last evaluated 2024-04-29.

Conditions:
Inborn genetic diseases. Identifiers: MedGen C0950123, MeSH D030342.

Submissions (2):

GeneDx
Classification: Pathogenic. Last evaluated: 2024-04-29. Review status: criteria provided, single submitter. Criteria: GeneDx Variant Classification Process June 2021. Collection method: clinical testing. Allele origin: germline. Affected: yes.
Comment: Reported heterozygous in an individual with mild developmental delay and intellectual disability (PMID: 32279304); Not observed at significant frequency in large population cohorts (gnomAD); In silico analysis supports that this missense variant has a deleterious effect on protein structure/function; This variant is associated with the following publications: (PMID: 34536985, 32279304)

Ambry Genetics
Classification: Uncertain significance for Inborn genetic diseases. Last evaluated: 2023-01-31. Review status: criteria provided, single submitter. Criteria: Ambry Variant Classification Scheme 2023. Collection method: clinical testing. Allele origin: germline.
Comment: The c.1837G>A (p.E613K) alteration is located in exon 13 (coding exon 13) of the KDM5C gene. This alteration results from a G to A substitution at nucleotide position 1837, causing the glutamic acid (E) at amino acid position 613 to be replaced by a lysine (K). This variant was not reported in population-based cohorts in the Genome Aggregation Database (gnomAD). This amino acid position is highly conserved in available vertebrate species. This missense alteration is located in a region that has a low rate of benign missense variation (Lek, 2016; Firth, 2009). This alteration is predicted to be deleterious by in silico analysis. Based on insufficient or conflicting evidence, the clinical significance of this alteration remains unclear.

Literature cited by the submitters: PubMed 32279304 (cited by Ambry Genetics).

NM_004187.5(KDM5C):c.1837G>A (p.Glu613Lys)

Gene: KDM5C (lysine demethylase 5C; minus strand). Cytogenetic location: Xp11.22.
Variant type: single nucleotide variant.
Coding change: c.1837G>A on transcript NM_004187.5 (MANE Select); coding-DNA position 1837, G replaced by A.
Protein change: p.Glu613Lys; replaces glutamic acid 613 with lysine.
Molecular consequence: missense variant. On other transcripts: non-coding transcript variant (3).
Genome position (GRCh38, 1-based): chrX:53,201,883, C>T on the plus strand (G>A on the coding strand, the complement: KDM5C is on the minus strand). VCF-style: chrX-53201883-C-T. GRCh37 (hg19) VCF-style: chrX-53231065-C-T.
Other names: c.1636G>A, p.Glu546Lys (NM_001146702.2); c.1834G>A, p.Glu612Lys (NM_001282622.3, NM_001353979.2, NM_001353982.2); c.1837G>A, p.Glu613Lys (NM_001353978.3, NM_001353981.2, NM_001353984.2); c.1837G>A (NM_004187.3); short protein forms E546K, E612K, E613K.
Identifiers: ClinVar variation 1300553 (VCV001300553.5), dbSNP rs2073150409, ClinGen allele CA413124380.